The following is an entry in ClinVar:

ClinVar aggregate classification (germline): Uncertain significance (1 of 4 stars; one submission).

gnomAD v4.1: 6 of 1,612,408 alleles (0.00037%); highest among the groups gnomAD compares: Non-Finnish European, 0.00051%; no homozygotes.

Submission:

Labcorp Genetics (formerly Invitae), Labcorp
Classification: Uncertain significance. Last evaluated: 2026-02-03. Review status: criteria provided, single submitter. Criteria: Invitae Variant Classification Sherloc (09022015). Collection method: clinical testing. Allele origin: germline.
Comment: This sequence change replaces serine, which is neutral and polar, with glycine, which is neutral and non-polar, at codon 299 of the FOXP1 protein (p.Ser299Gly). This variant is present in population databases (rs764571145, gnomAD 0.002%). This variant has not been reported in the literature in individuals affected with FOXP1-related conditions. ClinVar contains an entry for this variant (Variation ID: 3691418). Invitae Evidence Modeling of protein sequence and biophysical properties (such as structural, functional, and spatial information, amino acid conservation, physicochemical variation, residue mobility, and thermodynamic stability) indicates that this missense variant is not expected to disrupt FOXP1 protein function with a negative predictive value of 80%. In summary, the available evidence is currently insufficient to determine the role of this variant in disease. Therefore, it has been classified as a Variant of Uncertain Significance.

NM_001349338.3(FOXP1):c.895A>G (p.Ser299Gly)

Gene: FOXP1 (forkhead box P1; minus strand). Cytogenetic location: 3p13.
Variant type: single nucleotide variant.
Coding change: c.895A>G on transcript NM_001349338.3 (MANE Select); coding-DNA position 895, A replaced by G.
Protein change: p.Ser299Gly; replaces serine 299 with glycine.
Molecular consequence: missense variant. On other transcripts: non-coding transcript variant (2).
Genome position (GRCh38, 1-based): chr3:71,015,628, T>C on the plus strand (A>G on the coding strand, the complement: FOXP1 is on the minus strand). VCF-style: chr3-71015628-T-C. GRCh37 (hg19) VCF-style: chr3-71064779-T-C.
Other names: c.895A>G, p.Ser299Gly (NM_001244808.3, NM_001244810.2, NM_001244814.3 and 3 more transcripts); c.667A>G, p.Ser223Gly (NM_001244812.3); c.595A>G, p.Ser199Gly (NM_001244813.3, NM_001244815.2, NM_001349342.3 and 1 more transcripts); c.592A>G, p.Ser198Gly (NM_001349337.2, NM_001349343.3, NM_001349344.3); c.892A>G, p.Ser298Gly (NM_001349341.3); short protein forms S199G, S198G, S223G, S298G, S299G.
Identifiers: ClinVar variation 3691418 (VCV003691418.2).
Genomic context (GRCh38, chr3:71,015,628, plus strand): 5'-CTTCGCACACTGCTTCACAGCCTGGCCACTTGCATACACCATGTCCATAGAGAGGATGGC[T>C]ATGGGGGTGCTCCTCATGGGACAAACTGAAAGAAAACACACAGAAGACCAGAGAATGAAT-3'
Protein context (NP_001336267.1, residues 289-309): ESLSHEEHPH[Ser299Gly]HPLYGHGVCK